The following is an entry in ClinVar:

NM_002474.3(MYH11):c.4519A>C (p.Lys1507Gln)

Genes: MYH11 (myosin heavy chain 11; minus strand), NDE1 (nudE neurodevelopment protein 1; plus strand). Cytogenetic location: 16p13.11.
Variant type: single nucleotide variant.
Coding change: c.4519A>C on transcript NM_002474.3 (MANE Select); coding-DNA position 4519, A replaced by C.
Protein change: p.Lys1507Gln; replaces lysine 1507 with glutamine.
Molecular consequence: missense variant. On other transcripts: intron variant (2).
Genome position (GRCh38, 1-based): chr16:15,721,481, T>G on the plus strand (A>C on the coding strand, the complement: MYH11 is on the minus strand). VCF-style: chr16-15721481-T-G. GRCh37 (hg19) VCF-style: chr16-15815338-T-G.
Other names: c.4540A>C, p.Lys1514Gln (NM_001040113.2, NM_001040114.2); c.4519A>C, p.Lys1507Gln (NM_022844.3); c.948-2710T>G (NM_001143979.2, NM_017668.3); short protein forms K1514Q, K1507Q.
Identifiers: ClinVar variation 1741174 (VCV001741174.3), dbSNP rs2506126388, ClinGen allele CA394855037.

ClinVar aggregate classification (germline): Uncertain significance. Review status: criteria provided, multiple submitters, no conflicts (2 of 4 stars). 2 submissions from 2 submitters: Uncertain significance (2). Last evaluated 2023-11-02.

Conditions:
Familial thoracic aortic aneurysm and aortic dissection (TAAD). Also called: Thoracic aortic aneurysms and dissections. Identifiers: Orphanet 91387, MedGen C4707243, MONDO:0019625.

Allele frequency attached by ClinVar (database versions not stated): gnomAD exomes 0.00001.
gnomAD v4.1: 10 of 1,614,198 alleles (0.00062%); highest among the groups gnomAD compares: Non-Finnish European, 0.00085%; no homozygotes.

Submissions (2):

All of Us Research Program, National Institutes of Health
Classification: Uncertain significance for Familial thoracic aortic aneurysm and aortic dissection. Last evaluated: 2023-11-02. Review status: criteria provided, single submitter. Criteria: ACMG Guidelines, 2015. Collection method: clinical testing. Allele origin: germline. Inheritance: Autosomal dominant inheritance. Observed: 2 variant alleles, 2 heterozygotes.
Comment: This missense variant replaces lysine with glutamine at codon 1514 of the MYH11 protein. Computational prediction suggests that this variant may have deleterious impact on protein structure and function (internally defined REVEL score threshold >= 0.7, PMID: 27666373). To our knowledge, functional studies have not been reported for this variant. This variant has not been reported in individuals affected with MYH11-related disorders in the literature. This variant has not been identified in the general population by the Genome Aggregation Database (gnomAD). The available evidence is insufficient to determine the role of this variant in disease conclusively. Therefore, this variant is classified as a Variant of Uncertain Significance.

This study involves interpretation of variants in research participants for the purpose of population health screening. Participant phenotype was not available at the time of variant classification. Additional details can be found in publication PMID: 35346344, PMCID: PMC8962531

Ambry Genetics
Classification: Uncertain significance for Familial thoracic aortic aneurysm and aortic dissection. Last evaluated: 2022-03-04. Review status: criteria provided, single submitter. Criteria: Ambry Variant Classification Scheme 2023. Collection method: clinical testing. Allele origin: germline.
Comment: The p.K1507Q variant (also known as c.4519A>C), located in coding exon 31 of the MYH11 gene, results from an A to C substitution at nucleotide position 4519. The lysine at codon 1507 is replaced by glutamine, an amino acid with similar properties. This amino acid position is conserved. In addition, the in silico prediction for this alteration is inconclusive. Since supporting evidence is limited at this time, the clinical significance of this alteration remains unclear.